The following is an entry in ClinVar:

ClinVar aggregate classification (germline): Likely pathogenic (3 of 4 stars; one submission).

Conditions:
Hereditary thrombocytopenia and hematologic cancer predisposition syndrome. Identifiers: Orphanet 71290, MedGen CN281654, MONDO:0011071.

Submission:

ClinGen Myeloid Malignancy Variant Curation Expert Panel
Classification: Likely pathogenic for Hereditary thrombocytopenia and hematologic cancer predisposition syndrome. Last evaluated: 2026-04-29. Review status: reviewed by expert panel. Criteria: ClinGen MyeloMalig ACMG Specifications V3.1. Collection method: curation. Allele origin: germline. Inheritance: Autosomal dominant inheritance.
Comment: NM_001754.5(RUNX1):c.328A>C (p.Lys110Gln) is a missense variant which affects one of the hotspot residues (K110) in the RHD (PM1_strong). This variant has a REVEL score ≥ 0.88 (0.957) (PP3) and is completely absent from all population databases with at least 20x coverage for RUNX1 (PM2_supporting). It has been observed in a homozygous state (BP2) in a proband meeting at least one of the RUNX1 phenotypic criteria (AML) (PS4_supporting; PMID: 28855357). In summary, this variant meets criteria to be classified as likely pathogenic. ACMG/AMP criteria applied, as specified by the Myeloid Malignancy Variant Curation Expert Panel for RUNX1: PM1_strong, PP3, PM2_supporting, BP2, and PS4_supporting.

NM_001754.5(RUNX1):c.328A>C (p.Lys110Gln)

Gene: RUNX1 (RUNX family transcription factor 1; minus strand). Cytogenetic location: 21q22.12.
Variant type: single nucleotide variant.
Coding change: c.328A>C on transcript NM_001754.5 (MANE Select); coding-DNA position 328, A replaced by C.
Protein change: p.Lys110Gln; replaces lysine 110 with glutamine.
Molecular consequence: missense variant.
Genome position (GRCh38, 1-based): chr21:34,886,866, T>G on the plus strand (A>C on the coding strand, the complement: RUNX1 is on the minus strand). VCF-style: chr21-34886866-T-G. GRCh37 (hg19) VCF-style: chr21-36259163-T-G.
Other names: NM_001754.5:c.328A>C; NM_001754.5(RUNX1):c.328A>C; p.Lys110Gln; c.247A>C, p.Lys83Gln (NM_001001890.3, NM_001122607.2); short protein forms K110Q, K83Q.
Identifiers: ClinVar variation 3367215 (VCV003367215.4).